The following is an entry in ClinVar:

NM_001370466.1(NOD2):c.2590C>G (p.Leu864Val)

Gene: NOD2 (nucleotide binding oligomerization domain containing 2; plus strand). Cytogenetic location: 16q12.1.
Variant type: single nucleotide variant.
Coding change: c.2590C>G on transcript NM_001370466.1 (MANE Select); coding-DNA position 2590, C replaced by G.
Protein change: p.Leu864Val; replaces leucine 864 with valine.
Molecular consequence: missense variant. On other transcripts: non-coding transcript variant (1).
Genome position (GRCh38, 1-based): chr16:50,719,965, C>G. VCF-style: chr16-50719965-C-G. GRCh37 (hg19) VCF-style: chr16-50753876-C-G.
Other names: c.2590C>G, p.Leu864Val (NM_001293557.2); c.2671C>G, p.Leu891Val (NM_022162.3); short protein forms L891V, L864V.
Identifiers: ClinVar variation 2942821 (VCV002942821.3), dbSNP rs371163141, ClinGen allele CA8051918.

ClinVar aggregate classification (germline): Uncertain significance (1 of 4 stars; one submission).

Conditions:
Regional enteritis. Also called: Enteritis, Granulomatous. Identifiers: MedGen C0678202, MeSH D003424.
Blau syndrome (BLAUS). Also called: ARTHROCUTANEOUVEAL GRANULOMATOSIS; GRANULOMATOSIS, FAMILIAL JUVENILE SYSTEMIC; GRANULOMATOSIS, FAMILIAL, BLAU TYPE; GRANULOMATOUS INFLAMMATORY ARTHRITIS, DERMATITIS, AND UVEITIS, FAMILIAL; JABS SYNDROME. Identifiers: Orphanet 90340, MedGen C5201146, MONDO:0008523, OMIM 186580.

Allele frequency attached by ClinVar (database versions not stated): gnomAD 0.00001; TOPMed 0.00002; ESP Exome Variant Server 0.00008.
gnomAD v4.1: 5 of 1,614,074 alleles (0.00031%); highest among the groups gnomAD compares: African/African-American, 0.0053%; no homozygotes.

Submission:

Labcorp Genetics (formerly Invitae), Labcorp
Classification: Uncertain significance for Regional enteritis; Blau syndrome. Last evaluated: 2023-05-24. Review status: criteria provided, single submitter. Criteria: Invitae Variant Classification Sherloc (09022015). Collection method: clinical testing. Allele origin: germline.
Comment: This sequence change replaces leucine, which is neutral and non-polar, with valine, which is neutral and non-polar, at codon 891 of the NOD2 protein (p.Leu891Val). This variant is present in population databases (rs371163141, gnomAD 0.007%). This variant has not been reported in the literature in individuals affected with NOD2-related conditions. Advanced modeling of protein sequence and biophysical properties (such as structural, functional, and spatial information, amino acid conservation, physicochemical variation, residue mobility, and thermodynamic stability) performed at Invitae indicates that this missense variant is not expected to disrupt NOD2 protein function. In summary, the available evidence is currently insufficient to determine the role of this variant in disease. Therefore, it has been classified as a Variant of Uncertain Significance.